The following is an entry in ClinVar:

ClinVar aggregate classification (germline): Uncertain significance (1 of 4 stars; one submission).

Allele frequency attached by ClinVar (database versions not stated): ESP Exome Variant Server 0.00008.
gnomAD v4.1: 199 of 1,613,632 alleles (0.012%); highest among the groups gnomAD compares: Non-Finnish European, 0.015%; no homozygotes.

Submission:

Labcorp Genetics (formerly Invitae), Labcorp
Classification: Uncertain significance. Last evaluated: 2022-08-03. Review status: criteria provided, single submitter. Criteria: Invitae Variant Classification Sherloc (09022015). Collection method: clinical testing. Allele origin: germline.
Comment: This sequence change replaces threonine, which is neutral and polar, with lysine, which is basic and polar, at codon 364 of the WDR4 protein (p.Thr364Lys). This variant is present in population databases (rs140186844, gnomAD 0.008%). This variant has not been reported in the literature in individuals affected with WDR4-related conditions. Algorithms developed to predict the effect of missense changes on protein structure and function (SIFT, PolyPhen-2, Align-GVGD) all suggest that this variant is likely to be tolerated. In summary, the available evidence is currently insufficient to determine the role of this variant in disease. Therefore, it has been classified as a Variant of Uncertain Significance.

NM_018669.6(WDR4):c.1091C>A (p.Thr364Lys)

Gene: WDR4 (WDR4 tRNA N7-guanosine methyltransferase non-catalytic subunit; minus strand). Cytogenetic location: 21q22.3.
Variant type: single nucleotide variant.
Coding change: c.1091C>A on transcript NM_018669.6 (MANE Select); coding-DNA position 1091, C replaced by A.
Protein change: p.Thr364Lys; replaces threonine 364 with lysine.
Molecular consequence: missense variant. On other transcripts: non-coding transcript variant (1).
Genome position (GRCh38, 1-based): chr21:42,850,197, G>T on the plus strand (C>A on the coding strand, the complement: WDR4 is on the minus strand). VCF-style: chr21-42850197-G-T. GRCh37 (hg19) VCF-style: chr21-44270307-G-T.
Other names: c.1088C>A, p.Thr363Lys (NM_001260474.2); c.653C>A, p.Thr218Lys (NM_001260475.2, NM_001260476.2, NM_001260477.2 and 1 more transcripts); c.1091C>A, p.Thr364Lys (NM_033661.5); short protein forms T364K, T218K, T363K.
Identifiers: ClinVar variation 2183383 (VCV002183383.1), dbSNP rs140186844, ClinGen allele CA10045796.